The following is an entry in ClinVar:

ClinVar aggregate classification (germline): Uncertain significance. Review status: criteria provided, multiple submitters, no conflicts (2 of 4 stars). 2 submissions from 2 submitters: Uncertain significance (2). Last evaluated 2025-03-04.

Conditions:
POLD1-related polyposis and colorectal cancer syndrome (CRCS10). Also called: Colorectal cancer, susceptibility to, 10; Colorectal cancer 10; COLORECTAL CANCER, SUSCEPTIBILITY TO, ON CHROMOSOME 19q. Identifiers: Orphanet 220460, MedGen C2675481, MONDO:0012953, OMIM 612591.

Submissions (2):

Center for Genomic Medicine, Rigshospitalet, Copenhagen University Hospital
Classification: Uncertain significance. Last evaluated: 2025-03-04. Review status: criteria provided, single submitter. Criteria: ACMG Guidelines, 2015. Collection method: clinical testing. Allele origin: germline.

Labcorp Genetics (formerly Invitae), Labcorp
Classification: Uncertain significance for POLD1-related polyposis and colorectal cancer syndrome. Last evaluated: 2018-07-11. Review status: criteria provided, single submitter. Criteria: Invitae Variant Classification Sherloc (09022015). Collection method: clinical testing. Allele origin: germline.
Comment: In summary, the available evidence is currently insufficient to determine the role of this variant in disease. Therefore, it has been classified as a Variant of Uncertain Significance. Algorithms developed to predict the effect of missense changes on protein structure and function are either unavailable or do not agree on the potential impact of this missense change (SIFT: "Tolerated"; PolyPhen-2: "Possibly Damaging"; Align-GVGD: "Class C0"). This variant has not been reported in the literature in individuals with POLD1-related disease. This variant is not present in population databases (ExAC no frequency). This sequence change replaces proline with serine at codon 222 of the POLD1 protein (p.Pro222Ser). The proline residue is moderately conserved and there is a moderate physicochemical difference between proline and serine.

NM_002691.4(POLD1):c.664C>T (p.Pro222Ser)

Gene: POLD1 (DNA polymerase delta 1, catalytic subunit; plus strand). Cytogenetic location: 19q13.33.
Variant type: single nucleotide variant.
Coding change: c.664C>T on transcript NM_002691.4 (MANE Select); coding-DNA position 664, C replaced by T.
Protein change: p.Pro222Ser; replaces proline 222 with serine.
Molecular consequence: missense variant. On other transcripts: non-coding transcript variant (1).
Genome position (GRCh38, 1-based): chr19:50,402,279, C>T. VCF-style: chr19-50402279-C-T. GRCh37 (hg19) VCF-style: chr19-50905536-C-T.
Other names: c.664C>T, p.Pro222Ser (NM_001256849.1, NM_001308632.1); short protein forms P222S.
Identifiers: ClinVar variation 650594 (VCV000650594.10), dbSNP rs1310251395, ClinGen allele CA406974228.
Genomic context (GRCh38, chr19:50,402,279, plus strand): 5'-CACGGGCACGGCCCCTCCCCGTTCCTGCGCATCACCGTGGCGCTGCCGCGCCTCGTGGCC[C>T]CGGCCCGCCGTCTCCTGGAACAGGGCATCCGTGTGGCAGGCCTGGGCACGCCCAGCTTCG-3'
Protein context (NP_002682.2, residues 212-232): ITVALPRLVA[Pro222Ser]ARRLLEQGIR